The following is an entry in ClinVar:

NM_000297.4(PKD2):c.2340C>T (p.Asp780=)

Gene: PKD2 (polycystin 2, transient receptor potential cation channel; plus strand). Cytogenetic location: 4q22.1.
Variant type: single nucleotide variant.
Coding change: c.2340C>T on transcript NM_000297.4 (MANE Select); coding-DNA position 2340, C replaced by T.
Protein change: p.Asp780=; no amino-acid change (aspartic acid 780 retained).
Molecular consequence: synonymous variant. On other transcripts: non-coding transcript variant (1).
Genome position (GRCh38, 1-based): chr4:88,065,861, C>T. VCF-style: chr4-88065861-C-T. GRCh37 (hg19) VCF-style: chr4-88987013-C-T.
Other names: c.2340C>T (NM_000297.3).
Identifiers: ClinVar variation 2874337 (VCV002874337.5), dbSNP rs372745575, ClinGen allele CA3004209.

ClinVar aggregate classification (germline): Benign. Review status: criteria provided, single submitter (1 of 4 stars). 2 submissions from 2 submitters: Benign (1). 1 of the submissions does not count toward it. Last evaluated 2025-07-16.

Conditions:
Autosomal dominant polycystic kidney disease. Identifiers: Orphanet 730, MedGen C0085413, MONDO:0004691.
PKD2-related disorder. Also called: PKD2-related condition.

Allele frequency attached by ClinVar (database versions not stated): gnomAD exomes 0.00001; ExAC 0.00004; ESP Exome Variant Server 0.00008; gnomAD 0.00009; TOPMed 0.00009.
gnomAD v4.1: 35 of 1,607,672 alleles (0.0022%); highest among the groups gnomAD compares: African/African-American, 0.029%; no homozygotes.

Submissions (2):

Labcorp Genetics (formerly Invitae), Labcorp
Classification: Benign for Autosomal dominant polycystic kidney disease. Last evaluated: 2025-07-16. Review status: criteria provided, single submitter. Criteria: Invitae Variant Classification Sherloc (09022015). Collection method: clinical testing. Allele origin: germline.

PreventionGenetics, part of Exact Sciences
Classification: Likely benign for PKD2-related condition. Last evaluated: 2020-10-27. Review status: no assertion criteria provided. Collection method: clinical testing. Allele origin: germline. Not counted in ClinVar's aggregate classification.
Comment: This variant is classified as likely benign based on ACMG/AMP sequence variant interpretation guidelines (Richards et al. 2015 PMID: 25741868, with internal and published modifications).